The following is an entry in ClinVar:

NM_007078.3(LDB3):c.378G>A (p.Ala126=)

Gene: LDB3 (LIM domain binding 3; plus strand). Cytogenetic location: 10q23.2.
Variant type: single nucleotide variant.
Coding change: c.378G>A on transcript NM_007078.3 (MANE Select); coding-DNA position 378, G replaced by A.
Protein change: p.Ala126=; no amino-acid change (alanine 126 retained).
Molecular consequence: synonymous variant. On other transcripts: intron variant (5).
Genome position (GRCh38, 1-based): chr10:86,681,492, G>A. VCF-style: chr10-86681492-G-A. GRCh37 (hg19) VCF-style: chr10-88441249-G-A.
Other names: c.378G>A, p.Ala126= (NM_001080115.2, NM_001171610.2, NM_001171611.2 and 3 more transcripts); c.321+1335G>A (NM_001368068.1, NM_001368066.1, NM_001080114.2 and 2 more transcripts); c.378G>A (NM_001171610.1).
Identifiers: ClinVar variation 464272 (VCV000464272.17), dbSNP rs149872184, ClinGen allele CA5584686.
Genomic context (GRCh38, chr10:86,681,492, plus strand): 5'-CCAGGACCCCGCTCTGGACACGAACGGCAGCCTGGTGGCACCCAGCCCCAGCCCTGAGGC[G>A]AGGGCCAGCCCAGGCACCCCAGGCACCCCGGAGCTCAGGCCCACCTTTAGCCCTGCCTTC-3'
Protein context (NP_009009.1, residues 116-136): SLVAPSPSPE[Ala126=]RASPGTPGTP

ClinVar aggregate classification (germline): Benign/Likely benign. Review status: criteria provided, multiple submitters, no conflicts (2 of 4 stars). 5 submissions from 5 submitters: Benign (1); Likely benign (3). 1 of the submissions does not count toward it. Last evaluated 2025-10-09.

Conditions:
Myofibrillar myopathy 4. Also called: Zaspopathy (type). Identifiers: Orphanet 98912, MedGen C4721886, MONDO:0012277, OMIM 609452.
Cardiovascular phenotype. Identifiers: MedGen CN230736.
LDB3-related disorder. Also called: LDB3-related condition.

Allele frequency attached by ClinVar (database versions not stated): gnomAD 0.00003 and 0.00007; TOPMed 0.00005; ESP Exome Variant Server 0.00015; ExAC 0.00016; 1000 Genomes Project 30x 0.00078; 1000 Genomes Project 0.00080.
gnomAD v4.1: 162 of 1,609,794 alleles (0.01%); highest among the groups gnomAD compares: South Asian, 0.12%; no homozygotes.

Submissions (5):

Labcorp Genetics (formerly Invitae), Labcorp
Classification: Benign for Myofibrillar myopathy 4. Last evaluated: 2025-10-09. Review status: criteria provided, single submitter. Criteria: Invitae Variant Classification Sherloc (09022015). Collection method: clinical testing. Allele origin: germline.

GeneDx
Classification: Likely benign. Last evaluated: 2021-07-29. Review status: criteria provided, single submitter. Criteria: GeneDx Variant Classification Process June 2021. Collection method: clinical testing. Allele origin: germline. Affected: yes.

Blueprint Genetics
Classification: Likely benign. Last evaluated: 2020-05-13. Review status: criteria provided, single submitter. Criteria: ACMG Guidelines, 2015. Collection method: clinical testing. Allele origin: germline.

Ambry Genetics
Classification: Likely benign for Cardiovascular phenotype. Last evaluated: 2017-12-12. Review status: criteria provided, single submitter. Criteria: Ambry Variant Classification Scheme 2023. Collection method: clinical testing. Allele origin: germline.

PreventionGenetics, part of Exact Sciences
Classification: Likely benign for LDB3-related condition. Last evaluated: 2024-08-10. Review status: no assertion criteria provided. Collection method: clinical testing. Allele origin: germline. Not counted in ClinVar's aggregate classification.
Comment: This variant is classified as likely benign based on ACMG/AMP sequence variant interpretation guidelines (Richards et al. 2015 PMID: 25741868, with internal and published modifications).